The following is an entry in ClinVar:

ClinVar aggregate classification (germline): Uncertain significance (1 of 4 stars; one submission).

Conditions:
Duchenne muscular dystrophy (DMD). Also called: MUSCULAR DYSTROPHY, PSEUDOHYPERTROPHIC PROGRESSIVE, DUCHENNE TYPE; Duchenne Muscular Dystrophy (DMD). Identifiers: Orphanet 98896, MedGen C0013264, MONDO:0010679, OMIM 310200.

Submission:

Labcorp Genetics (formerly Invitae), Labcorp
Classification: Uncertain significance for Duchenne muscular dystrophy. Last evaluated: 2022-12-01. Review status: criteria provided, single submitter. Criteria: Invitae Variant Classification Sherloc (09022015). Collection method: clinical testing. Allele origin: germline.
Comment: In summary, the available evidence is currently insufficient to determine the role of this variant in disease. Therefore, it has been classified as a Variant of Uncertain Significance. Advanced modeling of protein sequence and biophysical properties (such as structural, functional, and spatial information, amino acid conservation, physicochemical variation, residue mobility, and thermodynamic stability) performed at Invitae indicates that this missense variant is not expected to disrupt DMD protein function. This variant has not been reported in the literature in individuals affected with DMD-related conditions. This variant is not present in population databases (gnomAD no frequency). This sequence change replaces histidine, which is basic and polar, with arginine, which is basic and polar, at codon 1762 of the DMD protein (p.His1762Arg).

NM_004006.3(DMD):c.5285A>G (p.His1762Arg)

Gene: DMD (dystrophin; minus strand). Cytogenetic location: Xp21.1.
Variant type: single nucleotide variant.
Coding change: c.5285A>G on transcript NM_004006.3 (MANE Select); coding-DNA position 5285, A replaced by G.
Protein change: p.His1762Arg; replaces histidine 1762 with arginine.
Molecular consequence: missense variant.
Genome position (GRCh38, 1-based): chrX:32,362,828, T>C on the plus strand (A>G on the coding strand, the complement: DMD is on the minus strand). VCF-style: chrX-32362828-T-C. GRCh37 (hg19) VCF-style: chrX-32380945-T-C.
Other names: c.5261A>G, p.His1754Arg (NM_000109.4); c.5273A>G, p.His1758Arg (NM_004009.3); c.4916A>G, p.His1639Arg (NM_004010.3); c.1262A>G, p.His421Arg (NM_004011.4); c.1253A>G, p.His418Arg (NM_004012.4); short protein forms H1639R, H1754R, H1762R, H421R, H418R, H1758R.
Identifiers: ClinVar variation 2817815 (VCV002817815.3), dbSNP rs1482260149, ClinGen allele CA412671033.